The following is an entry in ClinVar:

ClinVar aggregate classification (germline): Uncertain significance (1 of 4 stars; one submission).

Allele frequency attached by ClinVar (database versions not stated): gnomAD 0.00001; TOPMed 0.00002; gnomAD exomes 0.00004.
gnomAD v4.1: 65 of 1,612,904 alleles (0.004%); highest among the groups gnomAD compares: Middle Eastern, 0.016%; no homozygotes.

Submission:

Labcorp Genetics (formerly Invitae), Labcorp
Classification: Uncertain significance. Last evaluated: 2025-06-20. Review status: criteria provided, single submitter. Criteria: Invitae Variant Classification Sherloc (09022015). Collection method: clinical testing. Allele origin: germline.
Comment: This sequence change replaces alanine, which is neutral and non-polar, with threonine, which is neutral and polar, at codon 112 of the ADSSL1 protein (p.Ala112Thr). This variant is present in population databases (no rsID available, gnomAD 0.004%). This variant has not been reported in the literature in individuals affected with ADSSL1-related conditions. ClinVar contains an entry for this variant (Variation ID: 1896456). An algorithm developed to predict the effect of missense changes on protein structure and function (PolyPhen-2) suggests that this variant is likely to be disruptive. In summary, the available evidence is currently insufficient to determine the role of this variant in disease. Therefore, it has been classified as a Variant of Uncertain Significance.

NM_152328.5(ADSS1):c.205G>A (p.Ala69Thr)

Gene: ADSS1 (adenylosuccinate synthase 1; plus strand). Cytogenetic location: 14q32.33.
Variant type: single nucleotide variant.
Coding change: c.205G>A on transcript NM_152328.5 (MANE Select); coding-DNA position 205, G replaced by A.
Protein change: p.Ala69Thr; replaces alanine 69 with threonine.
Molecular consequence: missense variant. On other transcripts: 5 prime UTR variant (1).
Genome position (GRCh38, 1-based): chr14:104,735,032, G>A. VCF-style: chr14-104735032-G-A. GRCh37 (hg19) VCF-style: chr14-105201369-G-A.
Other names: c.-394G>A (NM_001320424.1); c.334G>A, p.Ala112Thr (NM_199165.2); short protein forms A69T, A112T.
Identifiers: ClinVar variation 1896456 (VCV001896456.3), dbSNP rs1229554099, ClinGen allele CA391235384.